The following is an entry in ClinVar:

NM_000334.4(SCN4A):c.2729A>T (p.Asp910Val)

Genes: GH-LCR (growth hormone locus control region; plus strand), SCN4A (sodium voltage-gated channel alpha subunit 4; minus strand). Cytogenetic location: 17q23.3.
Variant type: single nucleotide variant.
Coding change: c.2729A>T on transcript NM_000334.4 (MANE Select); coding-DNA position 2729, A replaced by T.
Protein change: p.Asp910Val; replaces aspartic acid 910 with valine.
Molecular consequence: missense variant.
Genome position (GRCh38, 1-based): chr17:63,951,548, T>A on the plus strand (A>T on the coding strand, the complement: SCN4A is on the minus strand). VCF-style: chr17-63951548-T-A. GRCh37 (hg19) VCF-style: chr17-62028908-T-A.
Other names: short protein forms D910V.
Identifiers: ClinVar variation 666125 (VCV000666125.13), dbSNP rs565408498, ClinGen allele CA8709511.

ClinVar aggregate classification (germline): Uncertain significance. Review status: criteria provided, multiple submitters, no conflicts (2 of 4 stars). 3 submissions from 3 submitters: Uncertain significance (3). Last evaluated 2025-01-19.

Conditions:
Hyperkalemic periodic paralysis. Also called: Familial hyperkalemic periodic paralysis; Gamstorp disease. Identifiers: Orphanet 682, MedGen C0238357, MONDO:0008224, OMIM 170500, HP:0007215.
Inborn genetic diseases. Identifiers: MedGen C0950123, MeSH D030342.

Allele frequency attached by ClinVar (database versions not stated): gnomAD 0.00001; ExAC 0.00002; gnomAD exomes 0.00002 and 0.00005; 1000 Genomes Project 30x 0.00016; 1000 Genomes Project 0.00020.
gnomAD v4.1: 24 of 1,613,950 alleles (0.0015%); highest among the groups gnomAD compares: South Asian, 0.026%; no homozygotes.

Submissions (3):

Ambry Genetics
Classification: Uncertain significance for Inborn genetic diseases. Last evaluated: 2025-01-19. Review status: criteria provided, single submitter. Criteria: Ambry Variant Classification Scheme 2023. Collection method: clinical testing. Allele origin: germline.

Revvity Omics, Revvity
Classification: Uncertain significance. Last evaluated: 2024-12-20. Review status: criteria provided, single submitter. Criteria: ACMG Guidelines, 2015. Collection method: clinical testing. Allele origin: germline.

Labcorp Genetics (formerly Invitae), Labcorp
Classification: Uncertain significance for Hyperkalemic periodic paralysis. Last evaluated: 2022-02-03. Review status: criteria provided, single submitter. Criteria: Invitae Variant Classification Sherloc (09022015). Collection method: clinical testing. Allele origin: germline.
Comment: In summary, the available evidence is currently insufficient to determine the role of this variant in disease. Therefore, it has been classified as a Variant of Uncertain Significance. Algorithms developed to predict the effect of missense changes on protein structure and function are either unavailable or do not agree on the potential impact of this missense change (SIFT: "Deleterious"; PolyPhen-2: "Benign"; Align-GVGD: "Class C25"). ClinVar contains an entry for this variant (Variation ID: 666125). This variant has not been reported in the literature in individuals affected with SCN4A-related conditions. This variant is present in population databases (rs565408498, gnomAD 0.04%). This sequence change replaces aspartic acid, which is acidic and polar, with valine, which is neutral and non-polar, at codon 910 of the SCN4A protein (p.Asp910Val).